The following is an entry in ClinVar:

ClinVar aggregate classification (germline): Uncertain significance (1 of 4 stars; one submission).

Conditions:
Cohen syndrome (COH1). Also called: PEPPER SYNDROME; Cutis verticis gyrata, retinitis pigmentosa, and sensorineural deafness. Identifiers: Orphanet 193, MedGen C0265223, MONDO:0008999, OMIM 216550.

Allele frequency attached by ClinVar (database versions not stated): gnomAD exomes below 0.00001.
gnomAD v4.1: 3 of 1,614,186 alleles (0.00019%); highest among the groups gnomAD compares: Admixed American, 0.0033%; no homozygotes.

Submission:

Labcorp Genetics (formerly Invitae), Labcorp
Classification: Uncertain significance for Cohen syndrome. Last evaluated: 2022-07-06. Review status: criteria provided, single submitter. Criteria: Invitae Variant Classification Sherloc (09022015). Collection method: clinical testing. Allele origin: germline.
Comment: This sequence change replaces histidine, which is basic and polar, with tyrosine, which is neutral and polar, at codon 3838 of the VPS13B protein (p.His3838Tyr). This variant is not present in population databases (gnomAD no frequency). This variant has not been reported in the literature in individuals affected with VPS13B-related conditions. Algorithms developed to predict the effect of missense changes on protein structure and function output the following: SIFT: "Not Available"; PolyPhen-2: "Benign"; Align-GVGD: "Not Available". The tyrosine amino acid residue is found in multiple mammalian species, which suggests that this missense change does not adversely affect protein function. In summary, the available evidence is currently insufficient to determine the role of this variant in disease. Therefore, it has been classified as a Variant of Uncertain Significance.

NM_152564.5(VPS13B):c.11437C>T (p.His3813Tyr)

Gene: VPS13B (vacuolar protein sorting 13 homolog B; plus strand). Cytogenetic location: 8q22.2.
Variant type: single nucleotide variant.
Coding change: c.11437C>T on transcript NM_152564.5 (MANE Select); coding-DNA position 11437, C replaced by T.
Protein change: p.His3813Tyr; replaces histidine 3813 with tyrosine.
Molecular consequence: missense variant.
Genome position (GRCh38, 1-based): chr8:99,870,829, C>T. VCF-style: chr8-99870829-C-T. GRCh37 (hg19) VCF-style: chr8-100883057-C-T.
Other names: c.11512C>T, p.His3838Tyr (NM_017890.5); short protein forms H3813Y, H3838Y.
Identifiers: ClinVar variation 2037989 (VCV002037989.1), dbSNP rs2492368355, ClinGen allele CA371793630.
Genomic context (GRCh38, chr8:99,870,829, plus strand): 5'-ACTTCTCTTACCACAGGTATTTTACATGGAGCTGGACTTTCTCAGCTTCCCAAACAGCGC[C>T]ATCAGCCAAGTGATCTACATGCTGACCAGGCTCCAAACAGCCATGTCAAATATGTCTGGT-3'
Protein context (NP_689777.3, residues 3803-3823): AGLSQLPKQR[His3813Tyr]QPSDLHADQA